The following is an entry in ClinVar:

ClinVar aggregate classification (germline): Benign. Review status: reviewed by expert panel (3 of 4 stars). 32 submissions from 30 submitters: Benign (1). 31 of the submissions do not count toward it. Last evaluated 2015-01-12.

Conditions:
Breast and/or ovarian cancer. Identifiers: MedGen CN221562.
Hereditary cancer-predisposing syndrome. Also called: Hereditary neoplastic syndrome; Tumor predisposition; Neoplastic Syndromes, Hereditary; Hereditary Cancer Syndrome. Identifiers: Orphanet 140162, MedGen C0027672, MeSH D009386, MONDO:0015356.
Hereditary breast ovarian cancer syndrome. Also called: Hereditary breast and ovarian cancer syndrome; Breast and ovarian cancer; Hereditary breast and ovarian cancer syndrome (HBOC); BRCA1- and BRCA2-Associated Hereditary Breast and Ovarian Cancer; Hereditary breast and ovarian cancer; Hereditary breast and/or ovarian cancer syndrome. Identifiers: Orphanet 145, MedGen C0677776, MeSH D061325, MONDO:0003582. Disease mechanism: loss of function.
Fanconi anemia complementation group D1. Also called: BRCA2-Related Fanconi Anemia. Identifiers: Orphanet 319462, MedGen C1838457, MONDO:0011584, OMIM 605724.
Breast-ovarian cancer, familial, susceptibility to, 2 (BROVCA2). Also called: BRCA2 Hereditary Breast and Ovarian Cancer. Identifiers: Orphanet 145, MedGen C2675520, MONDO:0012933, OMIM 612555. Disease mechanism: loss of function.
Familial cancer of breast. Also called: hereditary breast carcinoma; Hereditary breast cancer; BREAST CANCER, FAMILIAL. Identifiers: Orphanet 227535, MedGen C0346153, MONDO:0016419, OMIM 114480. Disease mechanism: loss of function.
Malignant tumor of breast. Also called: Malignant breast neoplasm; Cancer breast. Identifiers: MedGen C0006142, MONDO:0007254. Disease mechanism: loss of function.

Allele frequency attached by ClinVar (database versions not stated): gnomAD exomes 0.00043 and 0.00117; ExAC 0.00163; 1000 Genomes Project 0.00439; 1000 Genomes Project 30x 0.00468; gnomAD 0.00504 and 0.00539; TOPMed 0.00526; ESP Exome Variant Server 0.00584.
gnomAD v4.1: 1,413 of 1,610,996 alleles (0.088%); highest among the groups gnomAD compares: African/African-American, 1.7%; 13 homozygotes.

Submissions 1 to 23 of 32:

Evidence-based Network for the Interpretation of Germline Mutant Alleles (ENIGMA)
Classification: Benign for Breast-ovarian cancer, familial 2. Last evaluated: 2015-01-12. Review status: reviewed by expert panel. Criteria: ENIGMA BRCA1/2 Classification Criteria (2015). Collection method: curation. Allele origin: germline.
Comment: Class 1 not pathogenic based on frequency >1% in an outbred sampleset. Frequency 0.02236 (African), derived from 1000 genomes (2012-04-30).

Labcorp Genetics (formerly Invitae), Labcorp
Classification: Benign for Hereditary breast ovarian cancer syndrome. Last evaluated: 2026-02-03. Review status: criteria provided, single submitter. Criteria: Invitae Variant Classification Sherloc (09022015). Collection method: clinical testing. Allele origin: germline. Not counted in ClinVar's aggregate classification.

ARUP Laboratories, Molecular Genetics and Genomics, ARUP Laboratories
Classification: Benign. Last evaluated: 2025-05-19. Review status: criteria provided, single submitter. Criteria: ARUP Molecular Germline Variant Investigation Process 2024. Collection method: clinical testing. Allele origin: germline. Not counted in ClinVar's aggregate classification.

Center for Genomic Medicine, Rigshospitalet, Copenhagen University Hospital
Classification: Benign. Last evaluated: 2025-03-04. Review status: criteria provided, single submitter. Criteria: ACMG Guidelines, 2015. Collection method: clinical testing. Allele origin: germline. Not counted in ClinVar's aggregate classification.

KCCC/NGS Laboratory, Kuwait Cancer Control Center
Classification: Benign for Familial cancer of breast. Last evaluated: 2025-02-01. Review status: criteria provided, single submitter. Criteria: ACMG Guidelines, 2015. Collection method: clinical testing. Allele origin: germline. Affected: no. Not counted in ClinVar's aggregate classification.

Blueprint Genetics
Classification: Likely benign. Last evaluated: 2024-10-08. Review status: criteria provided, single submitter. Criteria: ACMG Guidelines, 2015. Collection method: clinical testing. Allele origin: germline. Not counted in ClinVar's aggregate classification.

Mayo Clinic Laboratories, Mayo Clinic
Classification: Benign. Last evaluated: 2024-06-13. Review status: criteria provided, single submitter. Criteria: ACMG Guidelines, 2015. Collection method: clinical testing. Allele origin: germline. Observed: 8 variant alleles. Not counted in ClinVar's aggregate classification.
Comment: BA1, BP4

KCCC/NGS Laboratory, Kuwait Cancer Control Center
Classification: Benign for Breast-ovarian cancer, familial, susceptibility to, 2. Last evaluated: 2023-07-07. Review status: criteria provided, single submitter. Criteria: ACMG Guidelines, 2015. Collection method: clinical testing. Allele origin: germline. Affected: yes. Not counted in ClinVar's aggregate classification.

National Health Laboratory Service, Universitas Academic Hospital and University of the Free State
Classification: Benign for Hereditary breast ovarian cancer syndrome. Last evaluated: 2022-04-19. Review status: criteria provided, single submitter. Criteria: ACMG Guidelines, 2015. Collection method: clinical testing. Allele origin: germline. Affected: yes. Observed: 63 variant alleles. Not counted in ClinVar's aggregate classification.

Color Diagnostics, LLC DBA Color Health
Classification: Benign for Hereditary cancer-predisposing syndrome. Last evaluated: 2022-01-02. Review status: criteria provided, single submitter. Criteria: ACMG Guidelines, 2015. Collection method: clinical testing. Allele origin: germline. Not counted in ClinVar's aggregate classification.

Genetics Program, Instituto Nacional de Cancer
Classification: Benign for Hereditary breast ovarian cancer syndrome. Last evaluated: 2021-11-01. Review status: criteria provided, single submitter. Criteria: ACMG Guidelines, 2015. Collection method: research. Allele origin: germline. Affected: yes. Not counted in ClinVar's aggregate classification.

CHEO Genetics Diagnostic Laboratory, Children's Hospital of Eastern Ontario
Classification: Benign for Breast and/or ovarian cancer. Last evaluated: 2021-10-29. Review status: criteria provided, single submitter. Criteria: ACMG Guidelines, 2015. Collection method: clinical testing. Allele origin: germline. Not counted in ClinVar's aggregate classification.

Illumina Laboratory Services, Illumina
Classification: Likely benign for Fanconi anemia complementation group D1. Last evaluated: 2018-11-01. Review status: criteria provided, single submitter. Criteria: ICSL Variant Classification Criteria 13 December 2019. Collection method: clinical testing. Allele origin: germline. Not counted in ClinVar's aggregate classification.
Comment: This variant was observed as part of a predisposition screen in an ostensibly healthy population. A literature search was performed for the gene, cDNA change, and amino acid change (where applicable). No publications were found based on this search. Allele frequency data from public databases allowed determination this variant is unlikely to cause disease. Therefore, this variant is classified as likely benign.

Illumina Laboratory Services, Illumina
Classification: Likely benign for Breast-ovarian cancer, familial, susceptibility to, 2. Last evaluated: 2018-11-01. Review status: criteria provided, single submitter. Criteria: ICSL Variant Classification Criteria 13 December 2019. Collection method: clinical testing. Allele origin: germline. Not counted in ClinVar's aggregate classification.
Comment: the same text as in the submission from Illumina Laboratory Services, Illumina above.

Genome Diagnostics Laboratory, University Medical Center Utrecht
Classification: Benign for Breast-ovarian cancer, familial, susceptibility to, 2. Last evaluated: 2017-07-28. Review status: criteria provided, single submitter. Criteria: ACGS Guidelines, 2013. Collection method: clinical testing. Allele origin: germline. Affected: yes. Study: VKGL Data-share Consensus. Not counted in ClinVar's aggregate classification.

Institute for Biomarker Research, Medical Diagnostic Laboratories, L.L.C.
Classification: Likely benign for Hereditary cancer-predisposing syndrome. Last evaluated: 2017-07-12. Review status: criteria provided, single submitter. Criteria: ACMG Guidelines, 2015. Collection method: clinical testing. Allele origin: germline. Not counted in ClinVar's aggregate classification.

PreventionGenetics, part of Exact Sciences
Classification: Benign. Last evaluated: 2016-11-22. Review status: criteria provided, single submitter. Criteria: ACMG Guidelines, 2015. Collection method: clinical testing. Allele origin: germline. Not counted in ClinVar's aggregate classification.

Genetic Services Laboratory, University of Chicago
Classification: Likely benign. Last evaluated: 2016-03-10. Review status: criteria provided, single submitter. Criteria: ACMG Guidelines, 2015. Collection method: clinical testing. Allele origin: germline. Affected: no. Not counted in ClinVar's aggregate classification.

Clinical Genetics DNA and cytogenetics Diagnostics Lab, Erasmus MC, Erasmus Medical Center
Classification: Benign for Breast-ovarian cancer, familial, susceptibility to, 2. Last evaluated: 2015-09-21. Review status: criteria provided, single submitter. Criteria: ACGS Guidelines, 2013. Collection method: clinical testing. Allele origin: germline. Affected: yes. Study: VKGL Data-share Consensus. Not counted in ClinVar's aggregate classification.

GeneDx
Classification: Benign. Last evaluated: 2015-03-03. Review status: criteria provided, single submitter. Criteria: GeneDx Variant Classification Process June 2021. Collection method: clinical testing. Allele origin: germline. Affected: yes. Not counted in ClinVar's aggregate classification.

Molecular Genetics Laboratory, University of Michigan
Classification: Benign for Breast-ovarian cancer, familial, susceptibility to, 2. Last evaluated: 2014-11-03. Review status: criteria provided, single submitter. Criteria: ACMG Guidelines, 2015. Collection method: clinical testing. Allele origin: germline. Affected: yes. Not counted in ClinVar's aggregate classification.

Ambry Genetics
Classification: Benign for Hereditary cancer-predisposing syndrome. Last evaluated: 2014-07-29. Review status: criteria provided, single submitter. Criteria: Ambry Variant Classification Scheme 2023. Collection method: clinical testing. Allele origin: germline. Not counted in ClinVar's aggregate classification.

Eurofins Ntd Llc (ga)
Classification: Benign. Last evaluated: 2014-07-16. Review status: criteria provided, single submitter. Criteria: EGL Classification Definitions 2015. Collection method: clinical testing. Allele origin: germline. Observed: 3 variant alleles, 3 heterozygotes. Not counted in ClinVar's aggregate classification.

NM_000059.4(BRCA2):c.-11C>T

Gene: BRCA2 (BRCA2 DNA repair associated; plus strand). Cytogenetic location: 13q13.1.
Variant type: single nucleotide variant.
Coding change: c.-11C>T on transcript NM_000059.4 (MANE Select); 11 bases upstream of the start codon, C replaced by T.
Molecular consequence: 5 prime UTR variant.
Genome position (GRCh38, 1-based): chr13:32,316,450, C>T. VCF-style: chr13-32316450-C-T. GRCh37 (hg19) VCF-style: chr13-32890587-C-T.
Other names: 218C>T; 218 C>T.
Identifiers: ClinVar variation 125976 (VCV000125976.96), dbSNP rs76874770, ClinGen allele CA011132.
Genomic context (GRCh38, chr13:32,316,450, plus strand): 5'-GTGTAAGTGCATTTTGGTCTTCTGTTTTGCAGACTTATTTACCAAGCATTGGAGGAATAT[C>T]GTAGGTAAAAATGCCTATTGGATCCAAAGAGAGGCCAACATTTTTTGAAATTTTTAAGAC-3'